The following is an entry in ClinVar:

ClinVar aggregate classification (germline): Uncertain significance (1 of 4 stars; one submission).

Conditions:
Landau-Kleffner syndrome (FESD). Also called: EPILEPSY, FOCAL, WITH SPEECH DISORDER AND WITH OR WITHOUT MENTAL RETARDATION; APHASIA, ACQUIRED, WITH EPILEPSY. Identifiers: Orphanet 1945, Orphanet 725, Orphanet 98818, MedGen C0282512, MONDO:0009509, OMIM 245570.

Submission:

Labcorp Genetics (formerly Invitae), Labcorp
Classification: Uncertain significance for Landau-Kleffner syndrome. Last evaluated: 2023-01-26. Review status: criteria provided, single submitter. Criteria: Invitae Variant Classification Sherloc (09022015). Collection method: clinical testing. Allele origin: germline.
Comment: This variant has not been reported in the literature in individuals affected with GRIN2A-related conditions. In summary, the available evidence is currently insufficient to determine the role of this variant in disease. Therefore, it has been classified as a Variant of Uncertain Significance. Advanced modeling of protein sequence and biophysical properties (such as structural, functional, and spatial information, amino acid conservation, physicochemical variation, residue mobility, and thermodynamic stability) performed at Invitae indicates that this missense variant is not expected to disrupt GRIN2A protein function. This variant is not present in population databases (gnomAD no frequency). This sequence change replaces aspartic acid, which is acidic and polar, with valine, which is neutral and non-polar, at codon 1149 of the GRIN2A protein (p.Asp1149Val).

NM_001134407.3(GRIN2A):c.3446A>T (p.Asp1149Val)

Gene: GRIN2A (glutamate ionotropic receptor NMDA type subunit 2A; minus strand). Cytogenetic location: 16p13.2.
Variant type: single nucleotide variant.
Coding change: c.3446A>T on transcript NM_001134407.3 (MANE Select); coding-DNA position 3446, A replaced by T.
Protein change: p.Asp1149Val; replaces aspartic acid 1149 with valine.
Molecular consequence: missense variant.
Genome position (GRCh38, 1-based): chr16:9,764,098, T>A on the plus strand (A>T on the coding strand, the complement: GRIN2A is on the minus strand). VCF-style: chr16-9764098-T-A. GRCh37 (hg19) VCF-style: chr16-9857955-T-A.
Other names: c.3446A>T, p.Asp1149Val (NM_000833.5, NM_001134408.2); short protein forms D1149V.
Identifiers: ClinVar variation 2983230 (VCV002983230.3), dbSNP rs2141132185, ClinGen allele CA394707846.